The following is an entry in ClinVar:

ClinVar aggregate classification (germline): Uncertain significance (1 of 4 stars; one submission).

gnomAD v4.1: 2 of 1,612,642 alleles (0.00012%); highest among the groups gnomAD compares: African/African-American, 0.0027%; no homozygotes.

Submission:

GeneDx
Classification: Uncertain significance. Last evaluated: 2024-05-31. Review status: criteria provided, single submitter. Criteria: GeneDx Variant Classification Process June 2021. Collection method: clinical testing. Allele origin: germline. Affected: yes.
Comment: Not observed at significant frequency in large population cohorts (gnomAD); Missense variant in a gene in which most reported pathogenic variants are truncating/loss of function; Has not been previously published as pathogenic or benign to our knowledge

NM_001267550.2(TTN):c.50953A>C (p.Thr16985Pro)

Genes: TTN (titin; minus strand), TTN-AS1 (TTN antisense RNA 1; plus strand). Cytogenetic location: 2q31.2.
Variant type: single nucleotide variant.
Coding change: c.50953A>C on transcript NM_001267550.2 (MANE Select); coding-DNA position 50953, A replaced by C.
Protein change: p.Thr16985Pro; replaces threonine 16985 with proline.
Molecular consequence: missense variant.
Genome position (GRCh38, 1-based): chr2:178,611,176, T>G on the plus strand (A>C on the coding strand, the complement: TTN is on the minus strand). VCF-style: chr2-178611176-T-G. GRCh37 (hg19) VCF-style: chr2-179475903-T-G.
Other names: c.46030A>C, p.Thr15344Pro (NM_001256850.1); c.23758A>C, p.Thr7920Pro (NM_003319.4); c.43249A>C, p.Thr14417Pro (NM_133378.4); c.24133A>C, p.Thr8045Pro (NM_133432.3); c.24334A>C, p.Thr8112Pro (NM_133437.4); short protein forms T14417P, T15344P, T16985P, T7920P, T8045P, T8112P.
Identifiers: ClinVar variation 3383796 (VCV003383796.1).